The following is an entry in ClinVar:

NM_000238.4(KCNH2):c.3187G>C (p.Val1063Leu)

Gene: KCNH2 (potassium voltage-gated channel subfamily H member 2; minus strand). Cytogenetic location: 7q36.1.
Variant type: single nucleotide variant.
Coding change: c.3187G>C on transcript NM_000238.4 (MANE Select); coding-DNA position 3187, G replaced by C.
Protein change: p.Val1063Leu; replaces valine 1063 with leucine.
Molecular consequence: missense variant.
Genome position (GRCh38, 1-based): chr7:150,947,020, C>G on the plus strand (G>C on the coding strand, the complement: KCNH2 is on the minus strand). VCF-style: chr7-150947020-C-G. GRCh37 (hg19) VCF-style: chr7-150644108-C-G.
Other names: c.2167G>C, p.Val723Leu (NM_172057.3); short protein forms V1063L, V723L.
Identifiers: ClinVar variation 845043 (VCV000845043.10), dbSNP rs139722868, ClinGen allele CA037808.

ClinVar aggregate classification (germline): Conflicting classifications of pathogenicity. Review status: criteria provided, conflicting classifications (1 of 4 stars). 3 submissions from 3 submitters: Uncertain significance (2); Likely benign (1). Last evaluated 2026-05-08.

Conditions:
Long QT syndrome (LQTS). Identifiers: MedGen C0023976, MeSH D008133, MONDO:0002442. Disease mechanism: loss of function. Inheritance: Various modes of inheritance.
Cardiovascular phenotype. Identifiers: MedGen CN230736.
Cardiac arrhythmia. Also called: Cardiac rhythm disease; Arrhythmia. Identifiers: MedGen C0003811, MONDO:0007263, HP:0011675.

Allele frequency attached by ClinVar (database versions not stated): ExAC 0.00001; gnomAD 0.00006; ESP Exome Variant Server 0.00008; TOPMed 0.00004.
gnomAD v4.1: 15 of 1,609,350 alleles (0.00093%); highest among the groups gnomAD compares: African/African-American, 0.019%; no homozygotes.

Submissions (3):

Ambry Genetics
Classification: Likely benign for Cardiovascular phenotype. Last evaluated: 2026-05-08. Review status: criteria provided, single submitter. Criteria: Ambry Variant Classification Scheme 2023. Collection method: clinical testing. Allele origin: germline.

Color Diagnostics, LLC DBA Color Health
Classification: Uncertain significance for Cardiac arrhythmia. Last evaluated: 2025-09-23. Review status: criteria provided, single submitter. Criteria: ACMG Guidelines, 2015. Collection method: clinical testing. Allele origin: germline.
Comment: This missense variant replaces valine with leucine at codon 1063 of the KCNH2 protein. Computational prediction suggests that this variant may not impact protein structure and function. To our knowledge, functional studies have not been reported for this variant. This variant has not been reported in individuals affected with KCNH2-related disorders in the literature. This variant has been identified in 7/280300 chromosomes in the general population by the Genome Aggregation Database (gnomAD). The available evidence is insufficient to determine the role of this variant in disease conclusively. Therefore, this variant is classified as a Variant of Uncertain Significance.

Labcorp Genetics (formerly Invitae), Labcorp
Classification: Uncertain significance for Long QT syndrome. Last evaluated: 2024-07-31. Review status: criteria provided, single submitter. Criteria: Invitae Variant Classification Sherloc (09022015). Collection method: clinical testing. Allele origin: germline.
Comment: This sequence change replaces valine, which is neutral and non-polar, with leucine, which is neutral and non-polar, at codon 1063 of the KCNH2 protein (p.Val1063Leu). This variant is present in population databases (rs139722868, gnomAD 0.03%). This variant has not been reported in the literature in individuals affected with KCNH2-related conditions. ClinVar contains an entry for this variant (Variation ID: 845043). An algorithm developed to predict the effect of missense changes on protein structure and function (PolyPhen-2) suggests that this variant is likely to be tolerated. In summary, the available evidence is currently insufficient to determine the role of this variant in disease. Therefore, it has been classified as a Variant of Uncertain Significance.